The following is an entry in ClinVar:

NM_001174089.2(SLC4A11):c.370G>A (p.Val124Ile)

Gene: SLC4A11 (solute carrier family 4 member 11; minus strand). Cytogenetic location: 20p13.
Variant type: single nucleotide variant.
Coding change: c.370G>A on transcript NM_001174089.2 (MANE Select); coding-DNA position 370, G replaced by A.
Protein change: p.Val124Ile; replaces valine 124 with isoleucine.
Molecular consequence: missense variant. On other transcripts: non-coding transcript variant (1).
Genome position (GRCh38, 1-based): chr20:3,234,236, C>T on the plus strand (G>A on the coding strand, the complement: SLC4A11 is on the minus strand). VCF-style: chr20-3234236-C-T. GRCh37 (hg19) VCF-style: chr20-3214882-C-T.
Other names: c.499G>A, p.Val167Ile (NM_001174090.2); c.370G>A, p.Val124Ile (NM_001363745.2); c.418G>A, p.Val140Ile (NM_032034.4); short protein forms V140I, V167I, V124I.
Identifiers: ClinVar variation 895195 (VCV000895195.9), dbSNP rs148613811, ClinGen allele CA9742317.

ClinVar aggregate classification (germline): Conflicting classifications of pathogenicity. Review status: criteria provided, conflicting classifications (1 of 4 stars). 4 submissions from 4 submitters: Uncertain significance (2); Likely benign (2). Last evaluated 2025-11-22.

Conditions:
Inborn genetic diseases. Identifiers: MedGen C0950123, MeSH D030342.
Corneal dystrophy. Identifiers: Orphanet 34533, MedGen C0010036, MONDO:0018102, HP:0001131.

Allele frequency attached by ClinVar (database versions not stated): gnomAD exomes 0.00006 and 0.00007; ExAC 0.00007; ESP Exome Variant Server 0.00008; gnomAD 0.00014; TOPMed 0.00018.
gnomAD v4.1: 116 of 1,614,048 alleles (0.0072%); highest among the groups gnomAD compares: Middle Eastern, 0.082%; no homozygotes.

Submissions (4):

Labcorp Genetics (formerly Invitae), Labcorp
Classification: Likely benign. Last evaluated: 2025-11-22. Review status: criteria provided, single submitter. Criteria: Invitae Variant Classification Sherloc (09022015). Collection method: clinical testing. Allele origin: germline.

Women's Health and Genetics/Laboratory Corporation of America, LabCorp
Classification: Uncertain significance. Last evaluated: 2025-11-03. Review status: criteria provided, single submitter. Criteria: LabCorp Variant Classification Summary - May 2015. Collection method: clinical testing. Allele origin: germline.
Comment: Variant summary: SLC4A11 c.418G>A (p.Val140Ile) results in a conservative amino acid change in the encoded protein sequence. Algorithms developed to predict the effect of missense changes on protein structure and function all suggest that this variant is likely to be tolerated. The variant allele was found at a frequency of 7.2e-05 in 251286 control chromosomes. This frequency is not significantly higher than estimated for disease-causing variants in SLC4A11, allowing no conclusion about variant significance. To our knowledge, no occurrence of c.418G>A in individuals affected with SLC4A11-related conditions and no experimental evidence demonstrating its impact on protein function have been reported. ClinVar contains an entry for this variant (Variation ID: 895195). Based on the evidence outlined above, the variant was classified as uncertain significance.

Ambry Genetics
Classification: Likely benign for Inborn genetic diseases. Last evaluated: 2021-07-06. Review status: criteria provided, single submitter. Criteria: Ambry Variant Classification Scheme 2023. Collection method: clinical testing. Allele origin: germline.

Illumina Laboratory Services, Illumina
Classification: Uncertain significance for Corneal dystrophy. Last evaluated: 2018-01-13. Review status: criteria provided, single submitter. Criteria: ICSL Variant Classification Criteria 13 December 2019. Collection method: clinical testing. Allele origin: germline.